The following is an entry in ClinVar:

NM_001384910.1(GUCA1A):c.500T>C (p.Leu167Pro)

Genes: GUCA1ANB-GUCA1A (GUCA1ANB-GUCA1A readthrough; plus strand), GUCA1A (guanylate cyclase activator 1A; plus strand). Cytogenetic location: 6p21.1.
Variant type: single nucleotide variant.
Coding change: c.500T>C on transcript NM_001384910.1 (MANE Select); coding-DNA position 500, T replaced by C.
Protein change: p.Leu167Pro; replaces leucine 167 with proline.
Molecular consequence: missense variant.
Genome position (GRCh38, 1-based): chr6:42,179,297, T>C. VCF-style: chr6-42179297-T-C. GRCh37 (hg19) VCF-style: chr6-42147035-T-C.
Other names: c.500T>C, p.Leu167Pro (NM_000409.5, NM_001319061.2, NM_001319062.2); short protein forms L167P.
Identifiers: ClinVar variation 1465882 (VCV001465882.7), dbSNP rs1447235684, ClinGen allele CA364110320.
Genomic context (GRCh38, chr6:42,179,297, plus strand): 5'-CCCCAGGGGAACTCTCCCTGGAAGAGTTTATAGAGGGCGTCCAGAAGGACCAGATGCTCC[T>C]GGACACACTGACACGAAGCCTGGACCTTACCCGCATCGTGCGCAGGCTCCAGAATGGCGA-3'
Protein context (NP_001371839.1, residues 157-177): IEGVQKDQML[Leu167Pro]DTLTRSLDLT

ClinVar aggregate classification (germline): Uncertain significance. Review status: criteria provided, multiple submitters, no conflicts (2 of 4 stars). 2 submissions from 2 submitters: Uncertain significance (2). Last evaluated 2021-12-03.

Allele frequency attached by ClinVar (database versions not stated): gnomAD exomes below 0.00001; TOPMed below 0.00001.
gnomAD v4.1: 2 of 1,613,820 alleles (0.00012%); highest among the groups gnomAD compares: Non-Finnish European, 0.00017%; no homozygotes.

Submissions (2):

Blueprint Genetics
Classification: Uncertain significance. Last evaluated: 2021-12-03. Review status: criteria provided, single submitter. Criteria: ACMG Guidelines, 2015. Collection method: clinical testing. Allele origin: germline.

Labcorp Genetics (formerly Invitae), Labcorp
Classification: Uncertain significance. Last evaluated: 2021-04-12. Review status: criteria provided, single submitter. Criteria: Invitae Variant Classification Sherloc (09022015). Collection method: clinical testing. Allele origin: germline.
Comment: This sequence change replaces leucine with proline at codon 167 of the GUCA1A protein (p.Leu167Pro). The leucine residue is moderately conserved and there is a moderate physicochemical difference between leucine and proline. Algorithms developed to predict the effect of missense changes on protein structure and function are either unavailable or do not agree on the potential impact of this missense change (SIFT: "Not Available"; PolyPhen-2: "Probably Damaging"; Align-GVGD: "Not Available"). This variant has not been reported in the literature in individuals with GUCA1A-related conditions. This variant is not present in population databases (ExAC no frequency). In summary, the available evidence is currently insufficient to determine the role of this variant in disease. Therefore, it has been classified as a Variant of Uncertain Significance.